The following is an entry in ClinVar:

ClinVar aggregate classification (germline): Uncertain significance. Review status: criteria provided, multiple submitters, no conflicts (2 of 4 stars). 2 submissions from 2 submitters: Uncertain significance (2). Last evaluated 2024-11-15.

Conditions:
Inborn genetic diseases. Identifiers: MedGen C0950123, MeSH D030342.

Allele frequency attached by ClinVar (database versions not stated): gnomAD exomes 0.00001 and 0.00006; TOPMed 0.00002; ExAC 0.00003.
gnomAD v4.1: 19 of 1,613,956 alleles (0.0012%); highest among the groups gnomAD compares: East Asian, 0.011%; no homozygotes.

Submissions (2):

Labcorp Genetics (formerly Invitae), Labcorp
Classification: Uncertain significance. Last evaluated: 2024-11-15. Review status: criteria provided, single submitter. Criteria: Invitae Variant Classification Sherloc (09022015). Collection method: clinical testing. Allele origin: germline.
Comment: This sequence change replaces arginine, which is basic and polar, with cysteine, which is neutral and slightly polar, at codon 1431 of the VCAN protein (p.Arg1431Cys). This variant is present in population databases (rs778762106, gnomAD 0.05%), and has an allele count higher than expected for a pathogenic variant. This variant has not been reported in the literature in individuals affected with VCAN-related conditions. ClinVar contains an entry for this variant (Variation ID: 962062). An algorithm developed to predict the effect of missense changes on protein structure and function (PolyPhen-2) suggests that this variant is likely to be disruptive. In summary, the available evidence is currently insufficient to determine the role of this variant in disease. Therefore, it has been classified as a Variant of Uncertain Significance.

Ambry Genetics
Classification: Uncertain significance for Inborn genetic diseases. Last evaluated: 2023-06-07. Review status: criteria provided, single submitter. Criteria: Ambry Variant Classification Scheme 2023. Collection method: clinical testing. Allele origin: germline.

NM_004385.5(VCAN):c.4291C>T (p.Arg1431Cys)

Genes: VCAN (versican; plus strand), VCAN-AS1 (VCAN antisense RNA 1; minus strand). Cytogenetic location: 5q14.3.
Variant type: single nucleotide variant.
Coding change: c.4291C>T on transcript NM_004385.5 (MANE Select); coding-DNA position 4291, C replaced by T.
Protein change: p.Arg1431Cys; replaces arginine 1431 with cysteine.
Molecular consequence: missense variant. On other transcripts: intron variant (2).
Genome position (GRCh38, 1-based): chr5:83,537,294, C>T. VCF-style: chr5-83537294-C-T. GRCh37 (hg19) VCF-style: chr5-82833113-C-T.
Other names: c.1330C>T, p.Arg444Cys (NM_001164097.2); c.4004-8243C>T (NM_001164098.2); c.1043-8243C>T (NM_001126336.3); short protein forms R1431C, R444C.
Identifiers: ClinVar variation 962062 (VCV000962062.11), dbSNP rs778762106, ClinGen allele CA3333145.